The following is an entry in ClinVar:

NM_003466.4(PAX8):c.1189+15G>A

Gene: PAX8 (paired box 8; minus strand). Cytogenetic location: 2q14.1.
Variant type: single nucleotide variant.
Coding change: c.1189+15G>A on transcript NM_003466.4 (MANE Select); 15 bases into the intron after coding-DNA position 1189, G replaced by A.
Molecular consequence: intron variant.
Genome position (GRCh38, 1-based): chr2:113,227,140, C>T on the plus strand (G>A on the coding strand, the complement: PAX8 is on the minus strand). VCF-style: chr2-113227140-C-T. GRCh37 (hg19) VCF-style: chr2-113984717-C-T.
Other names: c.778-6962G>A (NM_013992.4); c.879+15G>A (NM_013953.4); c.1110+15G>A (NM_013952.4).
Identifiers: ClinVar variation 330886 (VCV000330886.34), dbSNP rs149585280, ClinGen allele CA1839937.

ClinVar aggregate classification (germline): Conflicting classifications of pathogenicity. Review status: criteria provided, conflicting classifications (1 of 4 stars). 7 submissions from 7 submitters: Uncertain significance (2); Benign (1); Likely benign (2). 2 of the submissions do not count toward it. Last evaluated 2026-05-12.

Conditions:
Hypothyroidism, congenital, nongoitrous, 2 (CHNG2). Also called: Hypothyroidism, congenital, due to thyroid dysgenesis or hypoplasia. Identifiers: Orphanet 95712, MedGen C1869118, MONDO:0024264, OMIM 218700.

Allele frequency attached by ClinVar (database versions not stated): 1000 Genomes Project 30x 0.00234; 1000 Genomes Project 0.00240; gnomAD 0.00261 and 0.00262; gnomAD exomes 0.00279 and 0.00373; ESP Exome Variant Server 0.00280; TOPMed 0.00332; ExAC 0.00658.
gnomAD v4.1: 5,700 of 1,574,022 alleles (0.36%); highest among the groups gnomAD compares: Middle Eastern, 1%; 18 homozygotes.

Submissions (7):

Women's Health and Genetics/Laboratory Corporation of America, LabCorp
Classification: Benign. Last evaluated: 2026-05-12. Review status: criteria provided, single submitter. Criteria: LabCorp Variant Classification Summary - May 2015. Collection method: clinical testing. Allele origin: germline.

CeGaT Center for Human Genetics Tuebingen
Classification: Likely benign. Last evaluated: 2025-12-01. Review status: criteria provided, single submitter. Criteria: CeGaT Center For Human Genetics Tuebingen Variant Classification Criteria Version 2. Collection method: clinical testing. Allele origin: germline. Affected: yes. Observed: 6 variant alleles.
Comment: PAX8: BS2

Blueprint Genetics
Classification: Likely benign. Last evaluated: 2024-11-25. Review status: criteria provided, single submitter. Criteria: ACMG Guidelines, 2015. Collection method: clinical testing. Allele origin: germline.

Illumina Laboratory Services, Illumina
Classification: Uncertain significance for Hypothyroidism, congenital, nongoitrous, 2. Last evaluated: 2018-01-13. Review status: criteria provided, single submitter. Criteria: ICSL Variant Classification Criteria 13 December 2019. Collection method: clinical testing. Allele origin: germline.

Breakthrough Genomics
Classification: Uncertain significance. Review status: criteria provided, single submitter. Criteria: ACMG Guidelines, 2015. Collection method: not provided. Allele origin: germline. Inheritance: Autosomal dominant inheritance. Affected: yes.

Clinical Genetics, Academic Medical Center
Classification: Benign. Review status: no assertion criteria provided. Collection method: clinical testing. Allele origin: germline. Affected: yes. Study: VKGL Data-share Consensus. Not counted in ClinVar's aggregate classification.

Genome Diagnostics Laboratory, University Medical Center Utrecht
Classification: Likely benign. Review status: no assertion criteria provided. Collection method: clinical testing. Allele origin: germline. Affected: yes. Study: VKGL Data-share Consensus. Not counted in ClinVar's aggregate classification.